The following is an entry in ClinVar:

ClinVar aggregate classification (germline): Uncertain significance. Review status: criteria provided, multiple submitters, no conflicts (2 of 4 stars). 2 submissions from 2 submitters: Uncertain significance (2). Last evaluated 2025-09-01.

Conditions:
Inborn genetic diseases. Identifiers: MedGen C0950123, MeSH D030342.
Nemaline myopathy 6 (NEM6). Also called: Nemaline myopathy 6, autosomal dominant. Identifiers: Orphanet 171439, MedGen C1836472, MONDO:0012237, OMIM 609273.

Allele frequency attached by ClinVar (database versions not stated): TOPMed below 0.00001; gnomAD 0.00001; gnomAD exomes 0.00001 and 0.00002; ExAC 0.00005; 1000 Genomes Project 30x 0.00016; 1000 Genomes Project 0.00020.

Submissions (2):

Labcorp Genetics (formerly Invitae), Labcorp
Classification: Uncertain significance for Nemaline myopathy 6. Last evaluated: 2025-09-01. Review status: criteria provided, single submitter. Criteria: Invitae Variant Classification Sherloc (09022015). Collection method: clinical testing. Allele origin: germline.
Comment: This sequence change replaces glycine, which is neutral and non-polar, with aspartic acid, which is acidic and polar, at codon 34 of the KBTBD13 protein (p.Gly34Asp). This variant is present in population databases (rs544519051, gnomAD 0.01%). This variant has not been reported in the literature in individuals affected with KBTBD13-related conditions. ClinVar contains an entry for this variant (Variation ID: 942450). Invitae Evidence Modeling of protein sequence and biophysical properties (such as structural, functional, and spatial information, amino acid conservation, physicochemical variation, residue mobility, and thermodynamic stability) indicates that this missense variant is not expected to disrupt KBTBD13 protein function with a negative predictive value of 80%. In summary, the available evidence is currently insufficient to determine the role of this variant in disease. Therefore, it has been classified as a Variant of Uncertain Significance.

Ambry Genetics
Classification: Uncertain significance for Inborn genetic diseases. Last evaluated: 2023-10-10. Review status: criteria provided, single submitter. Criteria: Ambry Variant Classification Scheme 2023. Collection method: clinical testing. Allele origin: germline.

NM_001101362.3(KBTBD13):c.101G>A (p.Gly34Asp)

Gene: KBTBD13 (kelch repeat and BTB domain containing 13; plus strand). Cytogenetic location: 15q22.31.
Variant type: single nucleotide variant.
Coding change: c.101G>A on transcript NM_001101362.3 (MANE Select); coding-DNA position 101, G replaced by A.
Protein change: p.Gly34Asp; replaces glycine 34 with aspartic acid.
Molecular consequence: missense variant.
Genome position (GRCh38, 1-based): chr15:65,076,916, G>A. VCF-style: chr15-65076916-G-A. GRCh37 (hg19) VCF-style: chr15-65369254-G-A.
Other names: short protein forms G34D.
Identifiers: ClinVar variation 942450 (VCV000942450.11), dbSNP rs544519051, ClinGen allele CA7613863.